The following is an entry in ClinVar:

NM_005477.3(HCN4):c.2537C>T (p.Pro846Leu)

Gene: HCN4 (hyperpolarization activated cyclic nucleotide gated potassium channel 4; minus strand). Cytogenetic location: 15q24.1.
Variant type: single nucleotide variant.
Coding change: c.2537C>T on transcript NM_005477.3 (MANE Select); coding-DNA position 2537, C replaced by T.
Protein change: p.Pro846Leu; replaces proline 846 with leucine.
Molecular consequence: missense variant.
Genome position (GRCh38, 1-based): chr15:73,323,556, G>A on the plus strand (C>T on the coding strand, the complement: HCN4 is on the minus strand). VCF-style: chr15-73323556-G-A. GRCh37 (hg19) VCF-style: chr15-73615897-G-A.
Other names: short protein forms P846L.
Identifiers: ClinVar variation 404119 (VCV000404119.19), dbSNP rs747467877, ClinGen allele CA7649005.
Genomic context (GRCh38, chr15:73,323,556, plus strand): 5'-GAGAATCCAGCCAGCTGTTGGATGTGGAAGGAGGATGAAGACGGTGTGTCCACCTGGGAC[G>A]GGCTGCTGGCGGGCGAGGCGGAGCCCAGCGCAGAAGGGATCAGGGACTGCAGCCGTTTCA-3'
Protein context (NP_005468.1, residues 836-856): ALGSASPASS[Pro846Leu]SQVDTPSSSS

ClinVar aggregate classification (germline): Conflicting classifications of pathogenicity. Review status: criteria provided, conflicting classifications (1 of 4 stars). 6 submissions from 6 submitters: Uncertain significance (2); Likely benign (2). 2 of the submissions do not count toward it. Last evaluated 2026-01-22.

Conditions:
Cardiovascular phenotype. Identifiers: MedGen CN230736.
Brugada syndrome 8 (BRGDA8). Identifiers: Orphanet 130, MedGen C2751083, MONDO:0013148, OMIM 613123.

Allele frequency attached by ClinVar (database versions not stated): TOPMed 0.00004; gnomAD 0.00005; gnomAD exomes 0.00011; ExAC 0.00012.
gnomAD v4.1: 78 of 1,600,826 alleles (0.0049%); highest among the groups gnomAD compares: South Asian, 0.027%; no homozygotes.

Submissions (6):

Labcorp Genetics (formerly Invitae), Labcorp
Classification: Likely benign for Brugada syndrome 8. Last evaluated: 2026-01-22. Review status: criteria provided, single submitter. Criteria: Invitae Variant Classification Sherloc (09022015). Collection method: clinical testing. Allele origin: germline.

Ambry Genetics
Classification: Uncertain significance for Cardiovascular phenotype. Last evaluated: 2025-02-26. Review status: criteria provided, single submitter. Criteria: Ambry Variant Classification Scheme 2023. Collection method: clinical testing. Allele origin: germline.
Comment: The p.P846L variant (also known as c.2537C>T), located in coding exon 8 of the HCN4 gene, results from a C to T substitution at nucleotide position 2537. The proline at codon 846 is replaced by leucine, an amino acid with similar properties. This variant was detected in a cardiomyopathy/arrhythmia genetic testing cohort; however, clinical details were limited, and additional cardiac variants were detected in some cases (van Lint FHM et al. Neth Heart J, 2019 Jun;27:304-309). This amino acid position is well conserved in available vertebrate species. In addition, this alteration is predicted to be tolerated by in silico analysis. Since supporting evidence is limited at this time, the clinical significance of this alteration remains unclear.

Blueprint Genetics
Classification: Likely benign. Last evaluated: 2024-02-05. Review status: criteria provided, single submitter. Criteria: ACMG Guidelines, 2015. Collection method: clinical testing. Allele origin: germline.

Athena Diagnostics
Classification: Uncertain significance. Last evaluated: 2017-12-21. Review status: criteria provided, single submitter. Criteria: Athena Diagnostics Criteria. Collection method: clinical testing. Allele origin: germline.

Clinical Genetics, Academic Medical Center
Classification: Uncertain significance. Review status: no assertion criteria provided. Collection method: clinical testing. Allele origin: germline. Affected: yes. Study: VKGL Data-share Consensus. Not counted in ClinVar's aggregate classification.

Diagnostic Laboratory, Department of Genetics, University Medical Center Groningen
Classification: Uncertain significance. Review status: no assertion criteria provided. Collection method: clinical testing. Allele origin: germline. Affected: yes. Study: VKGL Data-share Consensus. Not counted in ClinVar's aggregate classification.

Literature cited by the submitters: PubMed 30847666 (cited by Ambry Genetics).